The following is an entry in ClinVar:

NM_000138.5(FBN1):c.6998-13A>G

Gene: FBN1 (fibrillin 1; minus strand). Cytogenetic location: 15q21.1.
Variant type: single nucleotide variant.
Coding change: c.6998-13A>G on transcript NM_000138.5 (MANE Select); 13 bases into the intron before coding-DNA position 6998, A replaced by G.
Molecular consequence: intron variant.
Genome position (GRCh38, 1-based): chr15:48,427,786, T>C on the plus strand (A>G on the coding strand, the complement: FBN1 is on the minus strand). VCF-style: chr15-48427786-T-C. GRCh37 (hg19) VCF-style: chr15-48719983-T-C.
Identifiers: ClinVar variation 1012213 (VCV001012213.6), dbSNP rs2042989627, ClinGen allele CA2175496923.

ClinVar aggregate classification (germline): Conflicting classifications of pathogenicity. Review status: criteria provided, conflicting classifications (1 of 4 stars). 2 submissions from 2 submitters: Likely pathogenic (1); Uncertain significance (1). Last evaluated 2025-01-23.

Conditions:
Marfan syndrome (MFS). Also called: FBN1-Related Marfan Syndrome; MARFAN SYNDROME, TYPE I; Marfan syndrome type 1; Marfan's syndrome; Marfan syndrome, classic. Identifiers: Orphanet 284963, Orphanet 558, MedGen C0024796, MONDO:0007947, OMIM 154700.
Familial thoracic aortic aneurysm and aortic dissection (TAAD). Also called: Thoracic aortic aneurysms and dissections. Identifiers: Orphanet 91387, MedGen C4707243, MONDO:0019625.

Submissions (2):

Labcorp Genetics (formerly Invitae), Labcorp
Classification: Uncertain significance for Marfan syndrome; Familial thoracic aortic aneurysm and aortic dissection. Last evaluated: 2025-01-23. Review status: criteria provided, single submitter. Criteria: Invitae Variant Classification Sherloc (09022015). Collection method: clinical testing. Allele origin: germline.
Comment: This sequence change falls in intron 57 of the FBN1 gene. It does not directly change the encoded amino acid sequence of the FBN1 protein. This variant is not present in population databases (gnomAD no frequency). This variant has been observed in individual(s) with thoracic aortic aneurysm and dissection (PMID: 30739908). ClinVar contains an entry for this variant (Variation ID: 1012213). Algorithms developed to predict the effect of sequence changes on RNA splicing suggest that this variant may disrupt the consensus splice site. In summary, the available evidence is currently insufficient to determine the role of this variant in disease. Therefore, it has been classified as a Variant of Uncertain Significance.

Undiagnosed Diseases Network, NIH
Classification: Likely pathogenic for Marfan syndrome. Last evaluated: 2021-02-19. Review status: criteria provided, single submitter. Criteria: ACMG Guidelines, 2015. Collection method: clinical testing. Allele origin: maternal. Inheritance: Autosomal dominant inheritance. Affected: yes. Observed: 3 variant alleles, 3 heterozygotes. Clinical features observed: Tall stature (HP:0000098), High palate (HP:0000218), Macrocephaly (HP:0000256), Malar flattening (HP:0000272), High forehead (HP:0000348), Pectus excavatum of inferior sternum (HP:0000915), Hyperpigmentation of the skin (HP:0000953), Striae distensae (HP:0001065), Ectopia lentis (HP:0001083), Arachnodactyly (HP:0001166), Joint hypermobility (HP:0001388), Mitral valve prolapse (HP:0001634), and 15 more. Study: Undiagnosed Diseases Network (NIH), UDN.

Literature cited by the submitters: PubMed 30739908 (cited by Labcorp Genetics (formerly Invitae), Labcorp and Undiagnosed Diseases Network, NIH).